The following is an entry in ClinVar:

ClinVar aggregate classification (germline): Uncertain significance. Review status: criteria provided, multiple submitters, no conflicts (2 of 4 stars). 2 submissions from 2 submitters: Uncertain significance (2). Last evaluated 2021-05-20.

Allele frequency attached by ClinVar (database versions not stated): gnomAD exomes below 0.00001; TOPMed below 0.00001.
gnomAD v4.1: 2 of 1,613,358 alleles (0.00012%); highest among the groups gnomAD compares: South Asian, 0.0022%; no homozygotes.

Submissions (2):

Labcorp Genetics (formerly Invitae), Labcorp
Classification: Uncertain significance. Last evaluated: 2021-05-20. Review status: criteria provided, single submitter. Criteria: Invitae Variant Classification Sherloc (09022015). Collection method: clinical testing. Allele origin: germline.
Comment: Nucleotide substitutions within the consensus splice site are a relatively common cause of aberrant splicing (PMID: 17576681, 9536098). Algorithms developed to predict the effect of sequence changes on RNA splicing suggest that this variant may disrupt the consensus splice site, but this prediction has not been confirmed by published transcriptional studies. In summary, the available evidence is currently insufficient to determine the role of this variant in disease. Therefore, it has been classified as a Variant of Uncertain Significance. This variant has not been reported in the literature in individuals with IMPG2-related conditions. This variant is not present in population databases (ExAC no frequency). This sequence change falls in intron 13 of the IMPG2 gene. It does not directly change the encoded amino acid sequence of the IMPG2 protein. It affects a nucleotide within the consensus splice site of the intron.

Blueprint Genetics
Classification: Uncertain significance. Last evaluated: 2018-09-06. Review status: criteria provided, single submitter. Criteria: ACMG Guidelines, 2015. Collection method: clinical testing. Allele origin: germline.

Literature cited by the submitters: PubMed 17576681 (cited by Labcorp Genetics (formerly Invitae), Labcorp); PubMed 9536098 (cited by Labcorp Genetics (formerly Invitae), Labcorp).

NM_016247.4(IMPG2):c.2802+4A>G

Gene: IMPG2 (interphotoreceptor matrix proteoglycan 2; minus strand). Cytogenetic location: 3q12.3.
Variant type: single nucleotide variant.
Coding change: c.2802+4A>G on transcript NM_016247.4 (MANE Select); 4 bases into the intron after coding-DNA position 2802, A replaced by G.
Molecular consequence: intron variant.
Genome position (GRCh38, 1-based): chr3:101,243,525, T>C on the plus strand (A>G on the coding strand, the complement: IMPG2 is on the minus strand). VCF-style: chr3-101243525-T-C. GRCh37 (hg19) VCF-style: chr3-100962369-T-C.
Identifiers: ClinVar variation 1428999 (VCV001428999.7), dbSNP rs1404464988, ClinGen allele CA896166167.